The following is an entry in ClinVar:

NM_001378454.1(ALMS1):c.9908-1G>A

Gene: ALMS1 (ALMS1 centrosome and basal body associated protein; plus strand). Cytogenetic location: 2p13.1.
Variant type: single nucleotide variant.
Coding change: c.9908-1G>A on transcript NM_001378454.1 (MANE Select); the canonical splice acceptor site of the intron before coding-DNA position 9908, G replaced by A.
Molecular consequence: splice acceptor variant.
Genome position (GRCh38, 1-based): chr2:73,550,266, G>A. VCF-style: chr2-73550266-G-A. GRCh37 (hg19) VCF-style: chr2-73777393-G-A.
Other names: c.9908-1G>A (NM_015120.4).
Identifiers: ClinVar variation 2651029 (VCV002651029.25), dbSNP rs2466385265, ClinGen allele CA347270962.

ClinVar aggregate classification (germline): Uncertain significance (1 of 4 stars; one submission).

Submission:

CeGaT Center for Human Genetics Tuebingen
Classification: Uncertain significance. Last evaluated: 2022-05-01. Review status: criteria provided, single submitter. Criteria: CeGaT Center For Human Genetics Tuebingen Variant Classification Criteria Version 2. Collection method: clinical testing. Allele origin: germline. Affected: yes. Observed: 1 variant allele.
Comment: ALMS1: PM2, PVS1:Moderate